The following is an entry in ClinVar:

NM_001252024.2(TRPM1):c.2149G>C (p.Ala717Pro)

Gene: TRPM1 (transient receptor potential cation channel subfamily M member 1; minus strand). Cytogenetic location: 15q13.3.
Variant type: single nucleotide variant.
Coding change: c.2149G>C on transcript NM_001252024.2 (MANE Select); coding-DNA position 2149, G replaced by C.
Protein change: p.Ala717Pro; replaces alanine 717 with proline.
Molecular consequence: missense variant.
Genome position (GRCh38, 1-based): chr15:31,040,285, C>G on the plus strand (G>C on the coding strand, the complement: TRPM1 is on the minus strand). VCF-style: chr15-31040285-C-G. GRCh37 (hg19) VCF-style: chr15-31332488-C-G.
Other names: c.2200G>C, p.Ala734Pro (NM_001252020.2); c.2083G>C, p.Ala695Pro (NM_002420.6); short protein forms A695P, A734P, A717P.
Identifiers: ClinVar variation 315516 (VCV000315516.45), dbSNP rs138944426, ClinGen allele CA7452296.

ClinVar aggregate classification (germline): Benign/Likely benign. Review status: criteria provided, multiple submitters, no conflicts (2 of 4 stars). 7 submissions from 7 submitters: Benign (5); Likely benign (2). Last evaluated 2026-03-01.

Conditions:
Congenital stationary night blindness 1C. Also called: Night blindness, congenital stationary (complete), 1C, autosomal recessive. Identifiers: Orphanet 215, MedGen C2750747, MONDO:0013183, OMIM 613216.

Allele frequency attached by ClinVar (database versions not stated): ESP Exome Variant Server 0.00117; TOPMed 0.00444; 1000 Genomes Project 0.00879; 1000 Genomes Project 30x 0.00968.
gnomAD v4.1: 5,359 of 1,614,158 alleles (0.33%); highest among the groups gnomAD compares: Admixed American, 4.8%; 89 homozygotes.

Submissions (7):

CeGaT Center for Human Genetics Tuebingen
Classification: Benign. Last evaluated: 2026-03-01. Review status: criteria provided, single submitter. Criteria: CeGaT Center For Human Genetics Tuebingen Variant Classification Criteria Version 2. Collection method: clinical testing. Allele origin: germline. Affected: yes. Observed: 2 variant alleles.
Comment: TRPM1: PP3, BS1, BS2

Labcorp Genetics (formerly Invitae), Labcorp
Classification: Benign. Last evaluated: 2026-02-01. Review status: criteria provided, single submitter. Criteria: Invitae Variant Classification Sherloc (09022015). Collection method: clinical testing. Allele origin: germline.

Fulgent Genetics
Classification: Benign for Congenital stationary night blindness 1C. Last evaluated: 2022-05-17. Review status: criteria provided, single submitter. Criteria: ACMG Guidelines, 2015. Collection method: clinical testing. Allele origin: unknown.

Mendelics
Classification: Likely benign for Congenital stationary night blindness 1C. Last evaluated: 2019-05-28. Review status: criteria provided, single submitter. Criteria: Mendelics Assertion Criteria 2017. Collection method: clinical testing. Allele origin: unknown.

Illumina Laboratory Services, Illumina
Classification: Benign for Congenital stationary night blindness 1C. Last evaluated: 2018-01-13. Review status: criteria provided, single submitter. Criteria: ICSL Variant Classification Criteria 13 December 2019. Collection method: clinical testing. Allele origin: germline.
Comment: This variant was observed in the ICSL laboratory as part of a predisposition screen in an ostensibly healthy population. It had not been previously curated by ICSL or reported in the Human Gene Mutation Database (HGMD: prior to June 1st, 2018), and was therefore a candidate for classification through an automated scoring system. Utilizing variant allele frequency, disease prevalence and penetrance estimates, and inheritance mode, an automated score was calculated to assess if this variant is too frequent to cause the disease. Based on the score and internal cut-off values, a variant classified as benign is not then subjected to further curation. The score for this variant resulted in a classification of benign for this disease.

Eurofins Ntd Llc (ga)
Classification: Benign. Last evaluated: 2016-10-06. Review status: criteria provided, single submitter. Criteria: EGL Classification Definitions 2015. Collection method: clinical testing. Allele origin: germline. Observed: 1 variant allele, 1 heterozygote.

Breakthrough Genomics
Classification: Likely benign. Review status: criteria provided, single submitter. Criteria: ACMG Guidelines, 2015. Collection method: not provided. Allele origin: germline. Inheritance: Unknown mechanism. Affected: yes.